The following is an entry in ClinVar:

NM_001046.3(SLC12A2):c.1145T>C (p.Met382Thr)

Gene: SLC12A2 (solute carrier family 12 member 2; plus strand). Cytogenetic location: 5q23.3.
Variant type: single nucleotide variant.
Coding change: c.1145T>C on transcript NM_001046.3 (MANE Select); coding-DNA position 1145, T replaced by C.
Protein change: p.Met382Thr; replaces methionine 382 with threonine.
Molecular consequence: missense variant. On other transcripts: non-coding transcript variant (1).
Genome position (GRCh38, 1-based): chr5:128,131,163, T>C. VCF-style: chr5-128131163-T-C. GRCh37 (hg19) VCF-style: chr5-127466855-T-C.
Other names: c.1145T>C, p.Met382Thr (NM_001256461.2); short protein forms M382T.
Identifiers: ClinVar variation 1706357 (VCV001706357.2), dbSNP rs1418084950, ClinGen allele CA360741228.

ClinVar aggregate classification (germline): Uncertain significance (1 of 4 stars; one submission).

Allele frequency attached by ClinVar (database versions not stated): TOPMed below 0.00001.

Submission:

GeneDx
Classification: Uncertain significance. Last evaluated: 2022-03-17. Review status: criteria provided, single submitter. Criteria: GeneDx Variant Classification Process June 2021. Collection method: clinical testing. Allele origin: germline. Affected: yes.
Comment: Not observed at significant frequency in large population cohorts (gnomAD); In silico analysis supports that this missense variant has a deleterious effect on protein structure/function; Has not been previously published as pathogenic or benign to our knowledge